The following is an entry in ClinVar:

ClinVar aggregate classification (germline): Uncertain significance. Review status: criteria provided, multiple submitters, no conflicts (2 of 4 stars). 3 submissions from 3 submitters: Uncertain significance (3). Last evaluated 2025-11-25.

Conditions:
PCNT-related disorder. Also called: PCNT-related condition.
Inborn genetic diseases. Identifiers: MedGen C0950123, MeSH D030342.

Allele frequency attached by ClinVar (database versions not stated): TOPMed 0.00001; ExAC 0.00004; gnomAD 0.00004; gnomAD exomes 0.00005 and 0.00008.

Submissions (3):

PreventionGenetics, part of Exact Sciences
Classification: Uncertain significance for PCNT-related condition. Last evaluated: 2025-11-25. Review status: criteria provided, single submitter. Criteria: ACMG Guidelines, 2015. Collection method: clinical testing. Allele origin: germline.
Comment: The PCNT c.4424G>A variant is predicted to result in the amino acid substitution p.Arg1475His. To our knowledge, this variant has not been reported in the literature. This variant is reported in 0.044% of alleles in individuals of European (Finnish) descent in gnomAD. At this time, the clinical significance of this variant is uncertain due to the absence of conclusive functional and genetic evidence.

Ambry Genetics
Classification: Uncertain significance for Inborn genetic diseases. Last evaluated: 2024-11-09. Review status: criteria provided, single submitter. Criteria: Ambry Variant Classification Scheme 2023. Collection method: clinical testing. Allele origin: germline.

Labcorp Genetics (formerly Invitae), Labcorp
Classification: Uncertain significance. Last evaluated: 2022-07-18. Review status: criteria provided, single submitter. Criteria: Invitae Variant Classification Sherloc (09022015). Collection method: clinical testing. Allele origin: germline.
Comment: This sequence change replaces arginine, which is basic and polar, with histidine, which is basic and polar, at codon 1475 of the PCNT protein (p.Arg1475His). This variant is present in population databases (rs751714492, gnomAD 0.05%). This variant has not been reported in the literature in individuals affected with PCNT-related conditions. ClinVar contains an entry for this variant (Variation ID: 1447195). Algorithms developed to predict the effect of missense changes on protein structure and function are either unavailable or do not agree on the potential impact of this missense change (SIFT: "Deleterious"; PolyPhen-2: "Possibly Damaging"; Align-GVGD: "Class C0"). In summary, the available evidence is currently insufficient to determine the role of this variant in disease. Therefore, it has been classified as a Variant of Uncertain Significance.

NM_006031.6(PCNT):c.4424G>A (p.Arg1475His)

Gene: PCNT (pericentrin; plus strand). Cytogenetic location: 21q22.3.
Variant type: single nucleotide variant.
Coding change: c.4424G>A on transcript NM_006031.6 (MANE Select); coding-DNA position 4424, G replaced by A.
Protein change: p.Arg1475His; replaces arginine 1475 with histidine.
Molecular consequence: missense variant.
Genome position (GRCh38, 1-based): chr21:46,397,472, G>A. VCF-style: chr21-46397472-G-A. GRCh37 (hg19) VCF-style: chr21-47817386-G-A.
Other names: c.4424G>A (NM_006031.5); c.4070G>A, p.Arg1357His (NM_001315529.2); short protein forms R1357H, R1475H.
Identifiers: ClinVar variation 1447195 (VCV001447195.5), dbSNP rs751714492, ClinGen allele CA10079620.